The following is an entry in ClinVar:

NM_001348768.2(HECW2):c.1985C>G (p.Ser662Cys)

Gene: HECW2 (HECT, C2 and WW domain containing E3 ubiquitin protein ligase 2; minus strand). Cytogenetic location: 2q32.3.
Variant type: single nucleotide variant.
Coding change: c.1985C>G on transcript NM_001348768.2 (MANE Select); coding-DNA position 1985, C replaced by G.
Protein change: p.Ser662Cys; replaces serine 662 with cysteine.
Molecular consequence: missense variant.
Genome position (GRCh38, 1-based): chr2:196,318,905, G>C on the plus strand (C>G on the coding strand, the complement: HECW2 is on the minus strand). VCF-style: chr2-196318905-G-C. GRCh37 (hg19) VCF-style: chr2-197183629-G-C.
Other names: c.917C>G, p.Ser306Cys (NM_001304840.3); c.1985C>G, p.Ser662Cys (NM_020760.4); short protein forms S306C, S662C.
Identifiers: ClinVar variation 2250804 (VCV002250804.2), dbSNP rs2469041922, ClinGen allele CA349964855.

ClinVar aggregate classification (germline): Uncertain significance (1 of 4 stars; one submission).

Conditions:
Inborn genetic diseases. Identifiers: MedGen C0950123, MeSH D030342.

Submission:

Ambry Genetics
Classification: Uncertain significance for Inborn genetic diseases. Last evaluated: 2021-10-22. Review status: criteria provided, single submitter. Criteria: Ambry Variant Classification Scheme 2023. Collection method: clinical testing. Allele origin: germline.
Comment: The c.1985C>G (p.S662C) alteration is located in exon 9 (coding exon 8) of the HECW2 gene. This alteration results from a C to G substitution at nucleotide position 1985, causing the serine (S) at amino acid position 662 to be replaced by a cysteine (C). This variant was not reported in population-based cohorts in the Genome Aggregation Database (gnomAD). This amino acid position is highly conserved in available vertebrate species. This alteration is predicted to be tolerated by in silico analysis. Based on insufficient or conflicting evidence, the clinical significance of this alteration remains unclear.